The following is an entry in ClinVar:

ClinVar aggregate classification (germline): Uncertain significance. Review status: criteria provided, multiple submitters, no conflicts (2 of 4 stars). 2 submissions from 2 submitters: Uncertain significance (2). Last evaluated 2025-10-11.

Conditions:
Perlman syndrome (PRLMNS). Identifiers: Orphanet 2849, MedGen C0796113, MONDO:0009965, OMIM 267000.

Submissions (2):

Dasa
Classification: Uncertain significance. Last evaluated: 2025-10-11. Review status: criteria provided, single submitter. Criteria: DASA Assertion Criteria. Collection method: clinical testing. Allele origin: germline.
Comment: NM_152383.5(DIS3L2):c.2608_2610del (p.Lys870del) is an in-frame deletion predicted to remove lysine at protein position 870 without shifting the reading frame. This variant is rare in population databases. The currently available literature and clinical evidence are not sufficient to establish a definitive association between this variant and the reported condition. Therefore, this variant is classified as a variant of uncertain significance.

Labcorp Genetics (formerly Invitae), Labcorp
Classification: Uncertain significance for Perlman syndrome. Last evaluated: 2024-02-17. Review status: criteria provided, single submitter. Criteria: Invitae Variant Classification Sherloc (09022015). Collection method: clinical testing. Allele origin: germline.
Comment: This variant, c.2608_2610del, results in the deletion of 1 amino acid(s) of the DIS3L2 protein (p.Lys870del), but otherwise preserves the integrity of the reading frame. The frequency data for this variant in the population databases is considered unreliable, as metrics indicate poor data quality at this position in the gnomAD database. This variant has not been reported in the literature in individuals affected with DIS3L2-related conditions. ClinVar contains an entry for this variant (Variation ID: 531928). Experimental studies and prediction algorithms are not available or were not evaluated, and the functional significance of this variant is currently unknown. In summary, the available evidence is currently insufficient to determine the role of this variant in disease. Therefore, it has been classified as a Variant of Uncertain Significance.

NM_152383.5(DIS3L2):c.2608_2610del (p.Lys870del)

Gene: DIS3L2 (DIS3 like 3'-5' exoribonuclease 2; plus strand). Cytogenetic location: 2q37.1.
Variant type: Deletion.
Coding change: c.2608_2610del on transcript NM_152383.5 (MANE Select); coding-DNA positions 2608 to 2610, 3 bases deleted (AAG; older notation c.2608_2610delAAG).
Protein change: p.Lys870del; deletes lysine 870.
Molecular consequence: inframe deletion. On other transcripts: non-coding transcript variant (2), intron variant (1).
Genome position (GRCh38, 1-based): chr2:232,336,580-232,336,582, AAG deleted; deleting any 3 consecutive bases within chr2:232,336,578-232,336,582 gives the same sequence; the c. name uses the placement nearest the transcript's 3' end. VCF-style (leftmost placement, unchanged base first): chr2-232336577-GAGA-G. GRCh37 (hg19) VCF-style: chr2-233201287-GAGA-G.
Other names: c.1582-6765_1582-6763del (NM_001257281.2); c.2608_2610delAAG (NM_152383.4); short protein forms K870del.
Identifiers: ClinVar variation 531928 (VCV000531928.10), dbSNP rs779485524, ClinGen allele CA2164627.
Genomic context (GRCh38, chr2:232,336,577, plus strand): 5'-ACAGCCCTCAAGTACAGCGCCATCCTGAAGCGGCCAGGCACCCAGGGCCACCTGGGCCCT[GAGA>G]AGGAGGAGGAGGAGTCTGACGGTGAGCCCGAGGACTCAAGCACCAGCTGAGCTCCACCAG-3'